The following is an entry in ClinVar:

ClinVar aggregate classification (germline): Uncertain significance. Review status: criteria provided, multiple submitters, no conflicts (2 of 4 stars). 2 submissions from 2 submitters: Uncertain significance (2). Last evaluated 2023-10-03.

Conditions:
Inborn genetic diseases. Identifiers: MedGen C0950123, MeSH D030342.

Allele frequency attached by ClinVar (database versions not stated): gnomAD exomes 0.00001.
gnomAD v4.1: 9 of 1,614,202 alleles (0.00056%); highest among the groups gnomAD compares: Non-Finnish European, 0.00076%; no homozygotes.

Submissions (2):

Labcorp Genetics (formerly Invitae), Labcorp
Classification: Uncertain significance. Last evaluated: 2023-10-03. Review status: criteria provided, single submitter. Criteria: Invitae Variant Classification Sherloc (09022015). Collection method: clinical testing. Allele origin: germline.
Comment: This sequence change replaces glutamine, which is neutral and polar, with glutamic acid, which is acidic and polar, at codon 1261 of the ARID1B protein (p.Gln1261Glu). This variant is present in population databases (no rsID available, gnomAD 0.0009%). This variant has not been reported in the literature in individuals affected with ARID1B-related conditions. ClinVar contains an entry for this variant (Variation ID: 2147424). Advanced modeling of protein sequence and biophysical properties (such as structural, functional, and spatial information, amino acid conservation, physicochemical variation, residue mobility, and thermodynamic stability) has been performed at Invitae for this missense variant, however the output from this modeling did not meet the statistical confidence thresholds required to predict the impact of this variant on ARID1B protein function. In summary, the available evidence is currently insufficient to determine the role of this variant in disease. Therefore, it has been classified as a Variant of Uncertain Significance.

Ambry Genetics
Classification: Uncertain significance for Inborn genetic diseases. Last evaluated: 2022-10-26. Review status: criteria provided, single submitter. Criteria: Ambry Variant Classification Scheme 2023. Collection method: clinical testing. Allele origin: germline.

NM_001374828.1(ARID1B):c.4150C>G (p.Gln1384Glu)

Gene: ARID1B (AT-rich interaction domain 1B; plus strand). Cytogenetic location: 6q25.3.
Variant type: single nucleotide variant.
Coding change: c.4150C>G on transcript NM_001374828.1 (MANE Select); coding-DNA position 4150, C replaced by G.
Protein change: p.Gln1384Glu; replaces glutamine 1384 with glutamic acid.
Molecular consequence: missense variant.
Genome position (GRCh38, 1-based): chr6:157,190,129, C>G. VCF-style: chr6-157190129-C-G. GRCh37 (hg19) VCF-style: chr6-157511263-C-G.
Other names: c.3901C>G, p.Gln1301Glu (NM_001346813.1); c.1651C>G, p.Gln551Glu (NM_001363725.2); c.4030C>G, p.Gln1344Glu (NM_001371656.1, NM_001374820.1); c.3991C>G, p.Gln1331Glu (NM_017519.3); c.3781C>G, p.Gln1261Glu (NM_020732.3); c.3568C>G, p.Gln1190Glu (NM_175863.2); short protein forms Q1344E, Q1261E, Q1331E, Q1301E, Q551E, Q1190E, Q1384E.
Identifiers: ClinVar variation 2147424 (VCV002147424.5), dbSNP rs1182325800, ClinGen allele CA366235332.